The following is an entry in ClinVar:

NM_022065.5(THADA):c.5653TTC[1] (p.Phe1886del)

Gene: THADA (THADA armadillo repeat containing; minus strand). Cytogenetic location: 2p21.
Variant type: Microsatellite.
Coding change: c.5653TTC[1] on transcript NM_022065.5 (MANE Select); one copy of the 3-base unit TTC starting at c.5653; the reference has two copies in a row; one copy, 3 bases deleted.
Protein change: p.Phe1886del; deletes phenylalanine 1886.
Molecular consequence: inframe deletion. On other transcripts: non-coding transcript variant (2).
Genome position (GRCh38, 1-based): chr2:43,231,152-43,231,154, GAA deleted on the plus strand (TTC on the coding strand, the reverse complement: THADA is on the minus strand); deleting any 3 consecutive bases within chr2:43,231,152-43,231,157 gives the same sequence; the position shown is the placement nearest the transcript's 3' end. VCF-style (leftmost placement, unchanged base first): chr2-43231151-TGAA-T. GRCh37 (hg19) VCF-style: chr2-43458290-TGAA-T.
Other names: c.5656_5658delTTC (NM_001083953.1); c.5653TTC[1], p.Phe1886del (NM_001083953.2, NM_001345925.2); c.5650TTC[1], p.Phe1885del (NM_001345923.2); c.5530TTC[1], p.Phe1845del (NM_001345924.2); c.*1724_*1726TTC[1] (NM_198554.1); short protein forms F1845del, F1885del, F1886del.
Identifiers: ClinVar variation 2650853 (VCV002650853.25), dbSNP rs544375407, ClinGen allele CA1631843.

ClinVar aggregate classification (germline): Likely benign. Review status: criteria provided, single submitter (1 of 4 stars). 2 submissions from 2 submitters: Likely benign (1). 1 of the submissions does not count toward it. Last evaluated 2023-02-01.

Conditions:
THADA-related disorder. Also called: THADA-related condition.

Submissions (2):

CeGaT Center for Human Genetics Tuebingen
Classification: Likely benign. Last evaluated: 2023-02-01. Review status: criteria provided, single submitter. Criteria: CeGaT Center For Human Genetics Tuebingen Variant Classification Criteria Version 2. Collection method: clinical testing. Allele origin: germline. Affected: yes. Observed: 1 variant allele.
Comment: THADA: BS2

PreventionGenetics, part of Exact Sciences
Classification: Benign for THADA-related condition. Last evaluated: 2020-03-23. Review status: no assertion criteria provided. Collection method: clinical testing. Allele origin: germline. Not counted in ClinVar's aggregate classification.
Comment: This variant is classified as benign based on ACMG/AMP sequence variant interpretation guidelines (Richards et al. 2015 PMID: 25741868, with internal and published modifications).